The following is an entry in ClinVar:

NM_001130009.3(GEN1):c.235C>T (p.Pro79Ser)

Gene: GEN1 (GEN1 Holliday junction 5' flap endonuclease; plus strand). Cytogenetic location: 2p24.2.
Variant type: single nucleotide variant.
Coding change: c.235C>T on transcript NM_001130009.3 (MANE Select); coding-DNA position 235, C replaced by T.
Protein change: p.Pro79Ser; replaces proline 79 with serine.
Molecular consequence: missense variant.
Genome position (GRCh38, 1-based): chr2:17,761,469, C>T. VCF-style: chr2-17761469-C-T. GRCh37 (hg19) VCF-style: chr2-17942736-C-T.
Other names: c.235C>T, p.Pro79Ser (NM_182625.5); short protein forms P79S.
Identifiers: ClinVar variation 3853457 (VCV003853457.1).

ClinVar aggregate classification (germline): Uncertain significance (1 of 4 stars; one submission).

Submission:

Ambry Genetics
Classification: Uncertain significance. Last evaluated: 2024-12-25. Review status: criteria provided, single submitter. Criteria: Ambry Variant Classification Scheme 2023. Collection method: clinical testing. Allele origin: germline.
Comment: The p.P79S variant (also known as c.235C>T), located in coding exon 2 of the GEN1 gene, results from a C to T substitution at nucleotide position 235. The proline at codon 79 is replaced by serine, an amino acid with similar properties. This amino acid position is conserved. In addition, the in silico prediction for this alteration is inconclusive. Based on the available evidence, the clinical significance of this variant remains unclear.